The following is an entry in ClinVar:

NM_006030.4(CACNA2D2):c.2657T>C (p.Ile886Thr)

Genes: CACNA2D2 (calcium voltage-gated channel auxiliary subunit alpha2delta 2; minus strand), LOC127898564 (CYB561D2-LOC101928965; plus strand), LOC101928965 (uncharacterized LOC101928965; plus strand). Cytogenetic location: 3p21.31.
Variant type: single nucleotide variant.
Coding change: c.2657T>C on transcript NM_006030.4 (MANE Select); coding-DNA position 2657, T replaced by C.
Protein change: p.Ile886Thr; replaces isoleucine 886 with threonine.
Molecular consequence: missense variant. On other transcripts: non-coding transcript variant (3).
Genome position (GRCh38, 1-based): chr3:50,366,319, A>G on the plus strand (T>C on the coding strand, the complement: CACNA2D2 is on the minus strand). VCF-style: chr3-50366319-A-G. GRCh37 (hg19) VCF-style: chr3-50403750-A-G.
Other names: c.2657T>C, p.Ile886Thr (NM_001005505.3); c.2678T>C, p.Ile893Thr (NM_001174051.3); c.2450T>C, p.Ile817Thr (NM_001291101.1); short protein forms I886T, I817T, I893T.
Identifiers: ClinVar variation 1044476 (VCV001044476.6), dbSNP rs1704280651, ClinGen allele CA352906865.

ClinVar aggregate classification (germline): Uncertain significance (1 of 4 stars; one submission).

Conditions:
Early-infantile DEE. Also called: Ohtahara syndrome; Early infantile epileptic encephalopathy with suppression bursts; Early infantile epileptic encephalopathy. Identifiers: Orphanet 1934, MedGen C0393706, MONDO:0800491.

Allele frequency attached by ClinVar (database versions not stated): gnomAD exomes below 0.00001.

Submission:

Labcorp Genetics (formerly Invitae), Labcorp
Classification: Uncertain significance for Early-infantile DEE. Last evaluated: 2020-04-14. Review status: criteria provided, single submitter. Criteria: Invitae Variant Classification Sherloc (09022015). Collection method: clinical testing. Allele origin: germline.
Comment: In summary, the available evidence is currently insufficient to determine the role of this variant in disease. Therefore, it has been classified as a Variant of Uncertain Significance. Algorithms developed to predict the effect of missense changes on protein structure and function (SIFT, PolyPhen-2, Align-GVGD) all suggest that this variant is likely to be disruptive, but these predictions have not been confirmed by published functional studies and their clinical significance is uncertain. This variant has not been reported in the literature in individuals with CACNA2D2-related conditions. This variant is not present in population databases (ExAC no frequency). This sequence change replaces isoleucine with threonine at codon 886 of the CACNA2D2 protein (p.Ile886Thr). The isoleucine residue is highly conserved and there is a moderate physicochemical difference between isoleucine and threonine.